The following is an entry in ClinVar:

ClinVar aggregate classification (germline): Uncertain significance (1 of 4 stars; one submission).

Submission:

Ambry Genetics
Classification: Uncertain significance. Last evaluated: 2022-04-01. Review status: criteria provided, single submitter. Criteria: Ambry Variant Classification Scheme 2023. Collection method: clinical testing. Allele origin: germline.
Comment: The p.H308R variant (also known as c.923A>G), located in coding exon 9 of the BUB1 gene, results from an A to G substitution at nucleotide position 923. The histidine at codon 308 is replaced by arginine, an amino acid with highly similar properties. This amino acid position is conserved. In addition, this alteration is predicted to be tolerated by in silico analysis. Since supporting evidence is limited at this time, the clinical significance of this alteration remains unclear.

NM_004336.5(BUB1):c.923A>G (p.His308Arg)

Gene: BUB1 (BUB1 mitotic checkpoint serine/threonine kinase; minus strand). Cytogenetic location: 2q13.
Variant type: single nucleotide variant.
Coding change: c.923A>G on transcript NM_004336.5 (MANE Select); coding-DNA position 923, A replaced by G.
Protein change: p.His308Arg; replaces histidine 308 with arginine.
Molecular consequence: missense variant.
Genome position (GRCh38, 1-based): chr2:110,666,297, T>C on the plus strand (A>G on the coding strand, the complement: BUB1 is on the minus strand). VCF-style: chr2-110666297-T-C. GRCh37 (hg19) VCF-style: chr2-111423874-T-C.
Other names: c.863A>G, p.His288Arg (NM_001278616.2); c.923A>G, p.His308Arg (NM_001278617.2); short protein forms H308R, H288R.
Identifiers: ClinVar variation 1766283 (VCV001766283.2), dbSNP rs1184898770, ClinGen allele CA348216361.